The following is an entry in ClinVar:

ClinVar aggregate classification (germline): Conflicting classifications of pathogenicity. Review status: criteria provided, conflicting classifications (1 of 4 stars). 2 submissions from 2 submitters: Uncertain significance (1); Benign (1). Last evaluated 2025-10-06.

Conditions:
KMT2D-related disorder. Also called: KMT2D-Related Disorders.
Kabuki syndrome. Also called: Kabuki make-up syndrome; NIIKAWA-KUROKI SYNDROME. Identifiers: Orphanet 2322, MedGen C0796004, MONDO:0016512.

Allele frequency attached by ClinVar (database versions not stated): gnomAD exomes 0.00002 and 0.00004; ExAC 0.00004.
gnomAD v4.1: 28 of 1,614,050 alleles (0.0017%); highest among the groups gnomAD compares: Non-Finnish European, 0.002%; no homozygotes.

Submissions (2):

PreventionGenetics, part of Exact Sciences
Classification: Uncertain significance for KMT2D-related condition. Last evaluated: 2025-10-06. Review status: criteria provided, single submitter. Criteria: ACMG Guidelines, 2015. Collection method: clinical testing. Allele origin: germline.
Comment: The KMT2D c.7852C>T variant is predicted to result in the amino acid substitution p.Pro2618Ser. To our knowledge, this variant has not been reported in the literature. This variant is reported in 0.0062% of alleles in individuals of European (Non-Finnish) descent in gnomAD. At this time, the clinical significance of this variant is uncertain due to the absence of conclusive functional and genetic evidence.

Labcorp Genetics (formerly Invitae), Labcorp
Classification: Benign for Kabuki syndrome. Last evaluated: 2024-12-10. Review status: criteria provided, single submitter. Criteria: Invitae Variant Classification Sherloc (09022015). Collection method: clinical testing. Allele origin: germline.

NM_003482.4(KMT2D):c.7852C>T (p.Pro2618Ser)

Gene: KMT2D (lysine methyltransferase 2D; minus strand). Cytogenetic location: 12q13.12.
Variant type: single nucleotide variant.
Coding change: c.7852C>T on transcript NM_003482.4 (MANE Select); coding-DNA position 7852, C replaced by T.
Protein change: p.Pro2618Ser; replaces proline 2618 with serine.
Molecular consequence: missense variant.
Genome position (GRCh38, 1-based): chr12:49,039,918, G>A on the plus strand (C>T on the coding strand, the complement: KMT2D is on the minus strand). VCF-style: chr12-49039918-G-A. GRCh37 (hg19) VCF-style: chr12-49433701-G-A.
Other names: short protein forms P2618S.
Identifiers: ClinVar variation 835334 (VCV000835334.10), dbSNP rs752295883, ClinGen allele CA6546981.